The following is an entry in ClinVar:

NM_001363711.2(DUOX2):c.3702C>T (p.Ile1234=)

Gene: DUOX2 (dual oxidase 2; minus strand). Cytogenetic location: 15q21.1.
Variant type: single nucleotide variant.
Coding change: c.3702C>T on transcript NM_001363711.2 (MANE Select); coding-DNA position 3702, C replaced by T.
Protein change: p.Ile1234=; no amino-acid change (isoleucine 1234 retained).
Molecular consequence: synonymous variant.
Genome position (GRCh38, 1-based): chr15:45,097,383, G>A on the plus strand (C>T on the coding strand, the complement: DUOX2 is on the minus strand). VCF-style: chr15-45097383-G-A. GRCh37 (hg19) VCF-style: chr15-45389581-G-A.
Other names: c.3702C>T, p.Ile1234= (NM_014080.5).
Identifiers: ClinVar variation 1999318 (VCV001999318.4), dbSNP rs1361049183, ClinGen allele CA490331223.

ClinVar aggregate classification (germline): Uncertain significance (1 of 4 stars; one submission).

Submission:

Labcorp Genetics (formerly Invitae), Labcorp
Classification: Uncertain significance. Last evaluated: 2022-05-27. Review status: criteria provided, single submitter. Criteria: Invitae Variant Classification Sherloc (09022015). Collection method: clinical testing. Allele origin: germline.
Comment: This variant has not been reported in the literature in individuals affected with DUOX2-related conditions. In summary, the available evidence is currently insufficient to determine the role of this variant in disease. Therefore, it has been classified as a Variant of Uncertain Significance. Algorithms developed to predict the effect of sequence changes on RNA splicing suggest that this variant may create or strengthen a splice site. This variant is not present in population databases (gnomAD no frequency). This sequence change affects codon 1234 of the DUOX2 mRNA. It is a 'silent' change, meaning that it does not change the encoded amino acid sequence of the DUOX2 protein.